The following is an entry in ClinVar:

NM_007294.4(BRCA1):c.5075-376C>T

Gene: BRCA1 (BRCA1 DNA repair associated; minus strand). Cytogenetic location: 17q21.31.
Variant type: single nucleotide variant.
Coding change: c.5075-376C>T on transcript NM_007294.4 (MANE Select); 376 bases into the intron before coding-DNA position 5075, C replaced by T.
Molecular consequence: intron variant.
Genome position (GRCh38, 1-based): chr17:43,064,327, G>A on the plus strand (C>T on the coding strand, the complement: BRCA1 is on the minus strand). VCF-style: chr17-43064327-G-A. GRCh37 (hg19) VCF-style: chr17-41216344-G-A.
Other names: IVS 17-376C>T; c.1496-376C>T (NM_001408505.1); c.4613-376C>T (NM_001407964.1); c.4928-376C>T (NM_001407844.1, NM_001407851.1, NM_001407849.1 and 12 more transcripts); c.4931-376C>T (NM_001407743.1, NM_001407735.1, NM_001407744.1 and 21 more transcripts); c.4805-376C>T (NM_001407935.1, NM_001407936.1, NM_001407934.1); c.4811-376C>T (NM_001407926.1, NM_001407924.1, NM_001407920.1 and 4 more transcripts); c.4934-376C>T (NM_001407729.1, NM_001407698.1, NM_001407942.1 and 13 more transcripts); and 74 more.
Identifiers: ClinVar variation 209325 (VCV000209325.2), dbSNP rs8176254, ClinGen allele CA276297.

ClinVar aggregate classification (germline): Benign (3 of 4 stars; one submission).

Conditions:
Breast-ovarian cancer, familial, susceptibility to, 1 (BROVCA1). Also called: BRCA1 Hereditary Breast and Ovarian Cancer; OVARIAN CANCER, SUSCEPTIBILITY TO. Identifiers: Orphanet 145, MedGen C2676676, MONDO:0011450, OMIM 604370. Disease mechanism: loss of function.

Allele frequency attached by ClinVar (database versions not stated): gnomAD 0.00981 and 0.01053; 1000 Genomes Project 30x 0.00984; 1000 Genomes Project 0.01038; TOPMed 0.01044.
gnomAD v4.1: 1,477 of 152,268 alleles (0.97%); highest among the groups gnomAD compares: African/African-American, 3.4%; 34 homozygotes.

Submission:

Evidence-based Network for the Interpretation of Germline Mutant Alleles (ENIGMA)
Classification: Benign for Breast-ovarian cancer, familial 1. Last evaluated: 2015-01-12. Review status: reviewed by expert panel. Criteria: ENIGMA BRCA1/2 Classification Criteria (2015). Collection method: curation. Allele origin: germline.
Comment: Class 1 not pathogenic based on frequency >1% in an outbred sampleset. Frequency 0.04878 (African), derived from 1000 genomes (2012-04-30).